The following is an entry in ClinVar:

ClinVar aggregate classification (germline): Pathogenic (1 of 4 stars; one submission).

Conditions:
Progressive sclerosing poliodystrophy (MTDPS4A). Also called: Alpers-Huttenlocher Syndrome; Mitochondrial DNA Depletion Syndrome 4A; ALPERS PROGRESSIVE INFANTILE POLIODYSTROPHY; NEURONAL DEGENERATION OF CHILDHOOD WITH LIVER DISEASE, PROGRESSIVE; Alpers-Huttenlocher Syndrome (AHS); Alpers Syndrome. Identifiers: Orphanet 726, MedGen C0205710, MONDO:0008758, OMIM 203700.

Submission:

Labcorp Genetics (formerly Invitae), Labcorp
Classification: Pathogenic for Progressive sclerosing poliodystrophy. Last evaluated: 2023-04-13. Review status: criteria provided, single submitter. Criteria: Invitae Variant Classification Sherloc (09022015). Collection method: clinical testing. Allele origin: germline.
Comment: This variant disrupts a region of the POLG protein in which other variant(s) (p.Arg597Trp) have been determined to be pathogenic (PMID: 19251978, 20138553, 21880868, 27538604). This suggests that this is a clinically significant region of the protein, and that variants that disrupt it are likely to be disease-causing. For these reasons, this variant has been classified as Pathogenic. ClinVar contains an entry for this variant (Variation ID: 1922614). This variant, c.1789_1791del, results in the deletion of 1 amino acid(s) of the POLG protein (p.Arg597del), but otherwise preserves the integrity of the reading frame. This variant is not present in population databases (gnomAD no frequency). This variant has not been reported in the literature in individuals affected with POLG-related conditions.

Literature cited by the submitters: PubMed 19251978; PubMed 20138553; PubMed 21880868; PubMed 27538604.

NM_002693.3(POLG):c.1789_1791del (p.Arg597del)

Gene: POLG (DNA polymerase gamma, catalytic subunit; minus strand). Cytogenetic location: 15q26.1.
Variant type: Deletion.
Coding change: c.1789_1791del on transcript NM_002693.3 (MANE Select); coding-DNA positions 1789 to 1791, 3 bases deleted (CGG; older notation c.1789_1791delCGG).
Protein change: p.Arg597del; deletes arginine 597.
Molecular consequence: inframe deletion.
Genome position (GRCh38, 1-based): chr15:89,325,608-89,325,610, CCG deleted on the plus strand (CGG on the coding strand, the reverse complement: POLG is on the minus strand); deleting any 3 consecutive bases within chr15:89,325,608-89,325,611 gives the same sequence; the c. name uses the placement nearest the transcript's 3' end. VCF-style (leftmost placement, unchanged base first): chr15-89325607-CCCG-C. GRCh37 (hg19) VCF-style: chr15-89868838-CCCG-C.
Other names: c.1789_1791del, p.Arg597del (NM_001126131.2); short protein forms R597del.
Identifiers: ClinVar variation 1922614 (VCV001922614.5), dbSNP rs1406911104, ClinGen allele CA716910490.